The following is an entry in ClinVar:

NM_000059.4(BRCA2):c.10108A>G (p.Arg3370Gly)

Gene: BRCA2 (BRCA2 DNA repair associated; plus strand). Cytogenetic location: 13q13.1.
Variant type: single nucleotide variant.
Coding change: c.10108A>G on transcript NM_000059.4 (MANE Select); coding-DNA position 10108, A replaced by G.
Protein change: p.Arg3370Gly; replaces arginine 3370 with glycine.
Molecular consequence: missense variant. On other transcripts: non-coding transcript variant (1).
Genome position (GRCh38, 1-based): chr13:32,398,621, A>G. VCF-style: chr13-32398621-A-G. GRCh37 (hg19) VCF-style: chr13-32972758-A-G.
Other names: c.10012A>G, p.Arg3338Gly (NM_001406719.1); c.10057A>G, p.Arg3353Gly (NM_001406720.1); c.5176A>G, p.Arg1726Gly (NM_001406721.1); c.3691A>G, p.Arg1231Gly (NM_001406722.1); c.10108A>G, p.Arg3370Gly (NM_001432077.1); short protein forms R1231G, R1726G, R3338G, R3353G, R3370G.
Identifiers: ClinVar variation 3386263 (VCV003386263.2).
Genomic context (GRCh38, chr13:32,398,621, plus strand): 5'-CAAGCTCTTTTGTCTGGTTCAACAGGAGAAAAACAATTTATATCTGTCAGTGAATCCACT[A>G]GGACTGCTCCCACCAGTTCAGAAGATTATCTCAGACTGAAACGACGTTGTACTACATCTC-3'
Protein context (NP_000050.3, residues 3360-3380): KQFISVSEST[Arg3370Gly]TAPTSSEDYL

ClinVar aggregate classification (germline): Conflicting classifications of pathogenicity. Review status: criteria provided, conflicting classifications (1 of 4 stars). 2 submissions from 2 submitters: Uncertain significance (1); Likely benign (1). Last evaluated 2026-04-23.

Conditions:
BRCA2-related cancer predisposition. Identifiers: MedGen CN377758, MONDO:0700269.
Hereditary cancer-predisposing syndrome. Also called: Neoplastic Syndromes, Hereditary; Tumor predisposition; Hereditary Cancer Syndrome; Hereditary neoplastic syndrome. Identifiers: Orphanet 140162, MedGen C0027672, MeSH D009386, MONDO:0015356.

gnomAD v4.1: 1 of 1,614,118 alleles (0.000062%); highest among the groups gnomAD compares: Non-Finnish European, 0.000085%; no homozygotes.

Submissions (2):

Ambry Genetics
Classification: Likely benign for Hereditary cancer-predisposing syndrome. Last evaluated: 2026-04-23. Review status: criteria provided, single submitter. Criteria: Ambry Variant Classification Scheme 2023. Collection method: clinical testing. Allele origin: germline.

All of Us Research Program, National Institutes of Health
Classification: Uncertain significance for BRCA2-related cancer predisposition. Last evaluated: 2024-04-16. Review status: criteria provided, single submitter. Criteria: ACMG Guidelines, 2015. Collection method: clinical testing. Allele origin: germline. Inheritance: Autosomal dominant inheritance. Observed: 1 variant allele, 1 heterozygote.
Comment: This missense variant replaces arginine with glycine at codon 3370 of the BRCA2 protein. Computational prediction suggests that this variant may not impact protein structure and function (internally defined REVEL score threshold <= 0.5, PMID: 27666373). To our knowledge, functional studies have not been reported for this variant. This variant has not been reported in individuals affected with BRCA2-related disorders in the literature. This variant has not been identified in the general population by the Genome Aggregation Database (gnomAD). The available evidence is insufficient to determine the role of this variant in disease conclusively. Therefore, this variant is classified as a Variant of Uncertain Significance.

This study involves interpretation of variants in research participants for the purpose of population health screening. Participant phenotype was not available at the time of variant classification. Additional details can be found in publication PMID: 35346344, PMCID: PMC8962531